The following is an entry in ClinVar:

NM_001281775.3(ZMYND8):c.856C>T (p.Arg286Ter)

Gene: ZMYND8 (zinc finger MYND-type containing 8; minus strand). Cytogenetic location: 20q13.12.
Variant type: single nucleotide variant.
Coding change: c.856C>T on transcript NM_001281775.3 (MANE Select); coding-DNA position 856, C replaced by T.
Protein change: p.Arg286Ter; replaces arginine 286 with a stop codon.
Molecular consequence: nonsense.
Genome position (GRCh38, 1-based): chr20:47,283,597, G>A on the plus strand (C>T on the coding strand, the complement: ZMYND8 is on the minus strand). VCF-style: chr20-47283597-G-A. GRCh37 (hg19) VCF-style: chr20-45912341-G-A.
Other names: c.781C>T, p.Arg261Ter (NM_001281771.3, NM_001281777.3, NM_001281778.3 and 4 more transcripts); c.796C>T, p.Arg266Ter (NM_001281772.3, NM_001281773.3, NM_001281774.3 and 1 more transcripts); c.856C>T, p.Arg286Ter (NM_001281776.3, NM_001281783.3, NM_012408.6 and 1 more transcripts); c.52C>T, p.Arg18Ter (NM_001281779.3, NM_001281780.3); c.877C>T, p.Arg293Ter (NM_001363714.1); short protein forms R18*, R261*, R266*, R286*, R293*.
Identifiers: ClinVar variation 3365480 (VCV003365480.1).

ClinVar aggregate classification (germline): Uncertain significance (1 of 4 stars; one submission).

gnomAD v4.1: 5 of 1,613,944 alleles (0.00031%); highest among the groups gnomAD compares: Non-Finnish European, 0.00042%; no homozygotes.

Submission:

GeneDx
Classification: Uncertain significance. Last evaluated: 2023-12-13. Review status: criteria provided, single submitter. Criteria: GeneDx Variant Classification Process June 2021. Collection method: clinical testing. Allele origin: germline. Affected: yes.
Comment: Not observed at significant frequency in large population cohorts (gnomAD); Nonsense variant predicted to result in protein truncation or nonsense mediated decay in a gene or region of a gene for which loss of function is not a well-established mechanism of disease; Has not been previously published as pathogenic or benign to our knowledge